The following is an entry in ClinVar:

ClinVar aggregate classification (germline): Pathogenic. Review status: criteria provided, multiple submitters, no conflicts (2 of 4 stars). 3 submissions from 3 submitters: Pathogenic (2). 1 of the submissions does not count toward it. Last evaluated 2025-01-10.

Conditions:
Duchenne muscular dystrophy (DMD). Also called: Duchenne Muscular Dystrophy (DMD); MUSCULAR DYSTROPHY, PSEUDOHYPERTROPHIC PROGRESSIVE, DUCHENNE TYPE. Identifiers: Orphanet 98896, MedGen C0013264, MONDO:0010679, OMIM 310200.

Submissions (3):

GeneDx
Classification: Pathogenic. Last evaluated: 2025-01-10. Review status: criteria provided, single submitter. Criteria: GeneDx Variant Classification Process June 2021. Collection method: clinical testing. Allele origin: germline. Affected: yes.
Comment: Frameshift variant predicted to result in protein truncation or nonsense mediated decay in a gene for which loss of function is a known mechanism of disease; Not observed at significant frequency in large population cohorts (gnomAD); This variant is associated with the following publications: (PMID: 7668256, 7951253)

Labcorp Genetics (formerly Invitae), Labcorp
Classification: Pathogenic for Duchenne muscular dystrophy. Last evaluated: 2023-06-30. Review status: criteria provided, single submitter. Criteria: Invitae Variant Classification Sherloc (09022015). Collection method: clinical testing. Allele origin: germline.
Comment: For these reasons, this variant has been classified as Pathogenic. ClinVar contains an entry for this variant (Variation ID: 265410). This premature translational stop signal has been observed in individual(s) with Duchenne muscular dystrophy (PMID: 7951253). This variant is not present in population databases (gnomAD no frequency). This sequence change creates a premature translational stop signal (p.Ile3157Metfs*22) in the DMD gene. It is expected to result in an absent or disrupted protein product. Loss-of-function variants in DMD are known to be pathogenic (PMID: 16770791, 25007885).

OMIM
Classification: Pathogenic for DUCHENNE MUSCULAR DYSTROPHY. Last evaluated: 1994-01-01. Review status: no assertion criteria provided. Collection method: literature only. Allele origin: germline. Not counted in ClinVar's aggregate classification.

Literature cited by the submitters: PubMed 7951253 (cited by Labcorp Genetics (formerly Invitae), Labcorp and OMIM); PubMed 16770791 (cited by Labcorp Genetics (formerly Invitae), Labcorp); PubMed 25007885 (cited by Labcorp Genetics (formerly Invitae), Labcorp).

NM_004006.3(DMD):c.9471_9474del (p.Ile3157fs)

Gene: DMD (dystrophin; minus strand). Cytogenetic location: Xp21.2.
Variant type: Deletion.
Coding change: c.9471_9474del on transcript NM_004006.3 (MANE Select); coding-DNA positions 9471 to 9474, 4 bases deleted (TTAT; older notation c.9471_9474delTTAT).
Protein change: p.Ile3157fs; shifts the reading frame from isoleucine 3157.
Molecular consequence: frameshift variant.
Genome position (GRCh38, 1-based): chrX:31,209,587-31,209,590, ATAA deleted on the plus strand (TTAT on the coding strand, the reverse complement: DMD is on the minus strand); deleting any 4 consecutive bases within chrX:31,209,587-31,209,593 gives the same sequence; the c. name uses the placement nearest the transcript's 3' end. VCF-style (leftmost placement, unchanged base first): chrX-31209586-CATAA-C. GRCh37 (hg19) VCF-style: chrX-31227703-CATAA-C.
Other names: c.9471_9474delTTAT (NM_004006.2); c.267_270del, p.Ile89fs (NM_004017.3, NM_004018.3, NM_004019.3 and 2 more transcripts); c.2091_2094del, p.Ile697fs (NM_004020.4, NM_004021.3, NM_004022.3 and 2 more transcripts); c.9447_9450del, p.Ile3149fs (NM_000109.4); c.9459_9462del, p.Ile3153fs (NM_004009.3); c.9102_9105del, p.Ile3034fs (NM_004010.3); c.5448_5451del, p.Ile1816fs (NM_004011.4); c.5439_5442del, p.Ile1813fs (NM_004012.4); and 2 more; short protein forms I1813fs, I3149fs, I3157fs, I428fs, I697fs, I1816fs, I3034fs, I3153fs.
Identifiers: ClinVar variation 265410 (VCV000265410.10), dbSNP rs886039532, ClinGen allele CA10588766.